The following is an entry in ClinVar:

NM_001130053.5(EEF1D):c.973_1001del (p.Ala325fs)

Gene: EEF1D (eukaryotic translation elongation factor 1 delta; minus strand). Cytogenetic location: 8q24.3.
Variant type: Deletion.
Coding change: c.973_1001del on transcript NM_001130053.5 (MANE Select); coding-DNA positions 973 to 1001, 29 bases deleted (GCCGAGTGCCGCCACCACGCTGCCGAGGC).
Protein change: p.Ala325fs; shifts the reading frame from alanine 325.
Molecular consequence: frameshift variant. On other transcripts: intron variant (8).
Genome position (GRCh38, 1-based): chr8:143,589,081-143,589,109, GCCTCGGCAGCGTGGTGGCGGCACTCGGC deleted on the plus strand (GCCGAGTGCCGCCACCACGCTGCCGAGGC on the coding strand, the reverse complement: EEF1D is on the minus strand); deleting any 29 consecutive bases within chr8:143,589,081-143,589,111 gives the same sequence; the c. name uses the placement nearest the transcript's 3' end. VCF-style (leftmost placement, unchanged base first): chr8-143589080-GGCCTCGGCAGCGTGGTGGCGGCACTCGGC-G. GRCh37 (hg19) VCF-style: chr8-144671250-GGCCTCGGCAGCGTGGTGGCGGCACTCGGC-G.
Other names: c.973_1001del, p.Ala325fs (NM_032378.7); c.-4-2260_-4-2232del (NM_001317743.4, NM_001289950.4, NM_001130055.4); c.-7-2257_-7-2229del (NM_001130056.5, NM_001195203.4, NM_001960.7 and 2 more transcripts); short protein forms A325fs.
Identifiers: ClinVar variation 3900914 (VCV003900914.1).

ClinVar aggregate classification (germline): Uncertain significance (1 of 4 stars; one submission).

Submission:

GeneDx
Classification: Uncertain significance. Last evaluated: 2024-11-27. Review status: criteria provided, single submitter. Criteria: GeneDx Variant Classification Process June 2021. Collection method: clinical testing. Allele origin: germline. Affected: yes.
Comment: Frameshift variant predicted to result in protein truncation or nonsense mediated decay in a gene or region of a gene for which loss of function is not a well-established mechanism of disease; Not observed at significant frequency in large population cohorts (gnomAD); Has not been previously published as pathogenic or benign to our knowledge